The following is an entry in ClinVar:

NM_014967.5(FAN1):c.2550C>G (p.Ile850Met)

Genes: FAN1 (FANCD2 and FANCI associated nuclease 1; plus strand), MTMR10 (myotubularin related protein 10; minus strand). Cytogenetic location: 15q13.3.
Variant type: single nucleotide variant.
Coding change: c.2550C>G on transcript NM_014967.5 (MANE Select); coding-DNA position 2550, C replaced by G.
Protein change: p.Ile850Met; replaces isoleucine 850 with methionine.
Molecular consequence: missense variant.
Genome position (GRCh38, 1-based): chr15:30,928,614, C>G. VCF-style: chr15-30928614-C-G. GRCh37 (hg19) VCF-style: chr15-31220817-C-G.
Other names: short protein forms I850M.
Identifiers: ClinVar variation 3710407 (VCV003710407.2).

ClinVar aggregate classification (germline): Uncertain significance (1 of 4 stars; one submission).

Submission:

Labcorp Genetics (formerly Invitae), Labcorp
Classification: Uncertain significance. Last evaluated: 2024-08-08. Review status: criteria provided, single submitter. Criteria: Invitae Variant Classification Sherloc (09022015). Collection method: clinical testing. Allele origin: germline.
Comment: This sequence change replaces isoleucine, which is neutral and non-polar, with methionine, which is neutral and non-polar, at codon 850 of the FAN1 protein (p.Ile850Met). This variant is not present in population databases (gnomAD no frequency). This variant has not been reported in the literature in individuals affected with FAN1-related conditions. An algorithm developed to predict the effect of missense changes on protein structure and function (PolyPhen-2) suggests that this variant is likely to be disruptive. In summary, the available evidence is currently insufficient to determine the role of this variant in disease. Therefore, it has been classified as a Variant of Uncertain Significance.